The following is an entry in ClinVar:

ClinVar aggregate classification (germline): Uncertain significance (1 of 4 stars; one submission).

Conditions:
Cardiovascular phenotype. Identifiers: MedGen CN230736.
Hereditary cancer-predisposing syndrome. Also called: Neoplastic Syndromes, Hereditary; Tumor predisposition; Hereditary Cancer Syndrome; Hereditary neoplastic syndrome. Identifiers: Orphanet 140162, MedGen C0027672, MeSH D009386, MONDO:0015356.

Submission:

Ambry Genetics
Classification: Uncertain significance for Cardiovascular phenotype; Hereditary cancer-predisposing syndrome. Last evaluated: 2025-11-15. Review status: criteria provided, single submitter. Criteria: Ambry Variant Classification Scheme 2023. Collection method: clinical testing. Allele origin: germline.
Comment: The p.P2495T variant (also known as c.7483C>A), located in coding exon 50 of the NF1 gene, results from a C to A substitution at nucleotide position 7483. The proline at codon 2495 is replaced by threonine, an amino acid with highly similar properties. This amino acid position is conserved. In addition, this alteration is predicted to be tolerated by in silico analysis. Based on the available evidence, the clinical significance of this variant remains unclear.

NM_001042492.3(NF1):c.7546C>A (p.Pro2516Thr)

Gene: NF1 (neurofibromin 1; plus strand). Cytogenetic location: 17q11.2.
Variant type: single nucleotide variant.
Coding change: c.7546C>A on transcript NM_001042492.3 (MANE Select); coding-DNA position 7546, C replaced by A.
Protein change: p.Pro2516Thr; replaces proline 2516 with threonine.
Molecular consequence: missense variant.
Genome position (GRCh38, 1-based): chr17:31,352,345, C>A. VCF-style: chr17-31352345-C-A. GRCh37 (hg19) VCF-style: chr17-29679363-C-A.
Other names: c.7483C>A, p.Pro2495Thr (NM_000267.4); short protein forms P2495T, P2516T.
Identifiers: ClinVar variation 4615689 (VCV004615689.1).